The following is an entry in ClinVar:

ClinVar aggregate classification (germline): Benign. Review status: criteria provided, single submitter (1 of 4 stars). 2 submissions from 2 submitters: Benign (1). 1 of the submissions does not count toward it. Last evaluated 2022-03-01.

Allele frequency attached by ClinVar (database versions not stated): TOPMed 0.00046; 1000 Genomes Project 0.00140; 1000 Genomes Project 30x 0.00172; gnomAD 0.00031.
gnomAD v4.1: 293 of 1,614,094 alleles (0.018%); highest among the groups gnomAD compares: East Asian, 0.56%; 2 homozygotes.

Submissions (2):

CeGaT Center for Human Genetics Tuebingen
Classification: Benign. Last evaluated: 2022-03-01. Review status: criteria provided, single submitter. Criteria: CeGaT Center For Human Genetics Tuebingen Variant Classification Criteria Version 2. Collection method: clinical testing. Allele origin: germline. Affected: yes. Observed: 1 variant allele.
Comment: SHANK2: BS1, BS2

Genetics and Genomic Medicine Centre, NeuroGen Healthcare, NeuroGen Healthcare
Classification: Uncertain significance. Last evaluated: 2020-09-10. Review status: no assertion criteria provided. Collection method: clinical testing. Allele origin: unknown. Affected: yes. Not counted in ClinVar's aggregate classification.

NM_012309.5(SHANK2):c.4438C>A (p.Pro1480Thr)

Gene: SHANK2 (SH3 and multiple ankyrin repeat domains 2; minus strand). Cytogenetic location: 11q13.3.
Variant type: single nucleotide variant.
Coding change: c.4438C>A on transcript NM_012309.5 (MANE Select); coding-DNA position 4438, C replaced by A.
Protein change: p.Pro1480Thr; replaces proline 1480 with threonine.
Molecular consequence: missense variant.
Genome position (GRCh38, 1-based): chr11:70,485,855, G>T on the plus strand (C>A on the coding strand, the complement: SHANK2 is on the minus strand). VCF-style: chr11-70485855-G-T. GRCh37 (hg19) VCF-style: chr11-70331960-G-T.
Other names: c.3301C>A, p.Pro1101Thr (NM_001379226.1); c.2674C>A, p.Pro892Thr (NM_133266.5); short protein forms P1101T, P1480T, P892T.
Identifiers: ClinVar variation 2642074 (VCV002642074.24), dbSNP rs557121637, ClinGen allele CA6160917.